The following is an entry in ClinVar:

NM_004168.4(SDHA):c.251G>C (p.Gly84Ala)

Gene: SDHA (succinate dehydrogenase complex flavoprotein subunit A; plus strand). Cytogenetic location: 5p15.33.
Variant type: single nucleotide variant.
Coding change: c.251G>C on transcript NM_004168.4 (MANE Select); coding-DNA position 251, G replaced by C.
Protein change: p.Gly84Ala; replaces glycine 84 with alanine.
Molecular consequence: missense variant.
Genome position (GRCh38, 1-based): chr5:224,460, G>C. VCF-style: chr5-224460-G-C. GRCh37 (hg19) VCF-style: chr5-224575-G-C.
Other names: c.251G>C, p.Gly84Ala (NM_001294332.2, NM_001330758.2); short protein forms G84A.
Identifiers: ClinVar variation 3763311 (VCV003763311.2).
Genomic context (GRCh38, chr5:224,460, plus strand): 5'-CAGTGGTGGTAGGCGCTGGAGGGGCAGGCTTGCGAGCTGCATTTGGCCTTTCTGAGGCAG[G>C]GTTTAATACAGCATGTGTTACCAAGCTGTTTCCTACCAGGTCACACACTGTTGCAGCACA-3'
Protein context (NP_004159.2, residues 74-94): LRAAFGLSEA[Gly84Ala]FNTACVTKLF

ClinVar aggregate classification (germline): Uncertain significance (1 of 4 stars; one submission).

Conditions:
Mitochondrial complex II deficiency, nuclear type 1. Also called: SUCCINATE CoQ REDUCTASE DEFICIENCY. Identifiers: Orphanet 3208, MedGen C5700310, MONDO:0100294, OMIM 252011.
Pheochromocytoma/paraganglioma syndrome 5. Also called: Paragangliomas 5; SDHA-Related Hereditary Paraganglioma-Pheochromocytoma Syndrome. Identifiers: Orphanet 29072, MedGen C3279992, MONDO:0013602, OMIM 614165.

Submission:

Labcorp Genetics (formerly Invitae), Labcorp
Classification: Uncertain significance for Pheochromocytoma/paraganglioma syndrome 5; Mitochondrial complex II deficiency, nuclear type 1. Last evaluated: 2024-04-02. Review status: criteria provided, single submitter. Criteria: Invitae Variant Classification Sherloc (09022015). Collection method: clinical testing. Allele origin: germline.
Comment: This sequence change replaces glycine, which is neutral and non-polar, with alanine, which is neutral and non-polar, at codon 84 of the SDHA protein (p.Gly84Ala). This variant is not present in population databases (gnomAD no frequency). This variant has not been reported in the literature in individuals affected with SDHA-related conditions. Advanced modeling of protein sequence and biophysical properties (such as structural, functional, and spatial information, amino acid conservation, physicochemical variation, residue mobility, and thermodynamic stability) has been performed at Invitae for this missense variant, however the output from this modeling did not meet the statistical confidence thresholds required to predict the impact of this variant on SDHA protein function. In summary, the available evidence is currently insufficient to determine the role of this variant in disease. Therefore, it has been classified as a Variant of Uncertain Significance.